The following is an entry in ClinVar:

ClinVar aggregate classification (germline): Uncertain significance (1 of 4 stars; one submission).

Conditions:
Adenylosuccinate lyase deficiency (ADSLD). Also called: ADSL DEFICIENCY. Identifiers: Orphanet 46, MedGen C0268126, MONDO:0007068, OMIM 103050.

Allele frequency attached by ClinVar (database versions not stated): gnomAD exomes below 0.00001 and 0.00001; gnomAD 0.00001; TOPMed 0.00001.
gnomAD v4.1: 17 of 1,608,832 alleles (0.0011%); highest among the groups gnomAD compares: Admixed American, 0.0017%; no homozygotes.

Submission:

Labcorp Genetics (formerly Invitae), Labcorp
Classification: Uncertain significance for Adenylosuccinate lyase deficiency. Last evaluated: 2024-10-15. Review status: criteria provided, single submitter. Criteria: Invitae Variant Classification Sherloc (09022015). Collection method: clinical testing. Allele origin: germline.
Comment: This sequence change replaces proline, which is neutral and non-polar, with leucine, which is neutral and non-polar, at codon 16 of the ADSL protein (p.Pro16Leu). The frequency data for this variant in the population databases is considered unreliable, as metrics indicate poor data quality at this position in the gnomAD database. This variant has not been reported in the literature in individuals affected with ADSL-related conditions. ClinVar contains an entry for this variant (Variation ID: 1018226). Invitae Evidence Modeling of protein sequence and biophysical properties (such as structural, functional, and spatial information, amino acid conservation, physicochemical variation, residue mobility, and thermodynamic stability) has been performed for this missense variant. However, the output from this modeling did not meet the statistical confidence thresholds required to predict the impact of this variant on ADSL protein function. In summary, the available evidence is currently insufficient to determine the role of this variant in disease. Therefore, it has been classified as a Variant of Uncertain Significance.

NM_000026.4(ADSL):c.47C>T (p.Pro16Leu)

Gene: ADSL (adenylosuccinate lyase; plus strand). Cytogenetic location: 22q13.1.
Variant type: single nucleotide variant.
Coding change: c.47C>T on transcript NM_000026.4 (MANE Select); coding-DNA position 47, C replaced by T.
Protein change: p.Pro16Leu; replaces proline 16 with leucine.
Molecular consequence: missense variant. On other transcripts: 5 prime UTR variant (1), non-coding transcript variant (1).
Genome position (GRCh38, 1-based): chr22:40,346,605, C>T. VCF-style: chr22-40346605-C-T. GRCh37 (hg19) VCF-style: chr22-40742609-C-T.
Other names: c.47C>T, p.Pro16Leu (NM_001123378.3, NM_001363840.3); c.-91C>T (NM_001317923.2); short protein forms P16L.
Identifiers: ClinVar variation 1018226 (VCV001018226.8), dbSNP rs541051390, ClinGen allele CA324447244.